The following is an entry in ClinVar:

NM_005609.4(PYGM):c.979_980insGTCTCTTATACACATC (p.Phe327fs)

Gene: PYGM (glycogen phosphorylase, muscle associated; minus strand). Cytogenetic location: 11q13.1.
Variant type: Insertion.
Coding change: c.979_980insGTCTCTTATACACATC on transcript NM_005609.4 (MANE Select); coding-DNA positions 979 to 980, GTCTCTTATACACATC inserted.
Protein change: p.Phe327fs; shifts the reading frame from phenylalanine 327.
Molecular consequence: frameshift variant.
Genome position: GRCh38 VCF-style: chr11-64754712-A-AGATGTGTATAAGAGAC. GRCh37 (hg19) VCF-style: chr11-64522184-A-AGATGTGTATAAGAGAC.
Other names: c.715_716insGTCTCTTATACACATC, p.Phe239fs (NM_001164716.1); short protein forms F239fs, F327fs.
Identifiers: ClinVar variation 5011064 (VCV005011064.1).

ClinVar aggregate classification (germline): Pathogenic (1 of 4 stars; one submission).

Conditions:
Glycogen storage disease, type V (GSD5). Also called: MCARDLE DISEASE; MUSCLE GLYCOGEN PHOSPHORYLASE DEFICIENCY; MYOPHOSPHORYLASE DEFICIENCY; PYGM DEFICIENCY; McArdle type glycogen storage disease. Identifiers: Orphanet 368, MedGen C0017924, MONDO:0009293, OMIM 232600.

Submission:

Myriad Genetics, Inc.
Classification: Pathogenic for Glycogen storage disease, type V. Last evaluated: 2024-05-14. Review status: criteria provided, single submitter. Criteria: Myriad Autosomal Dominant, Autosomal Recessive and X-Linked Classification Criteria (2023). Collection method: clinical testing. Allele origin: unknown.
Comment: NM_005609.2(PYGM):c.979_980ins16(F327Cfs*12) is expected to be pathogenic in the context of glycogen storage disease, PYGM-related. This variant is predicted to lead to an abnormal or absent protein product due to the creation of a premature termination codon in PYGM, a gene where loss-of-function variants are known to be pathogenic. Please note: this variant was assessed in the context of healthy population screening.